The following is an entry in ClinVar:

ClinVar aggregate classification (germline): Pathogenic (1 of 4 stars; one submission).

Submission:

Labcorp Genetics (formerly Invitae), Labcorp
Classification: Pathogenic. Last evaluated: 2023-11-02. Review status: criteria provided, single submitter. Criteria: Invitae Variant Classification Sherloc (09022015). Collection method: clinical testing. Allele origin: germline.
Comment: This sequence change creates a premature translational stop signal (p.Cys1662*) in the TG gene. It is expected to result in an absent or disrupted protein product. Loss-of-function variants in TG are known to be pathogenic (PMID: 19837936, 23164529). This variant is not present in population databases (gnomAD no frequency). This variant has not been reported in the literature in individuals affected with TG-related conditions. For these reasons, this variant has been classified as Pathogenic.

Literature cited by the submitters: PubMed 19837936; PubMed 23164529.

NM_003235.5(TG):c.4986_4987del (p.Cys1662_Gln1663delinsTer)

Gene: TG (thyroglobulin; plus strand). Cytogenetic location: 8q24.22.
Variant type: Deletion.
Coding change: c.4986_4987del on transcript NM_003235.5 (MANE Select); coding-DNA positions 4986 to 4987, 2 bases deleted (CC; older notation c.4986_4987delCC).
Protein change: p.Cys1662_Gln1663delinsTer.
Molecular consequence: nonsense.
Genome position (GRCh38, 1-based): chr8:132,935,809-132,935,810, CC deleted. VCF-style (leftmost placement, unchanged base first): chr8-132935808-GCC-G. GRCh37 (hg19) VCF-style: chr8-133948053-GCC-G.
Identifiers: ClinVar variation 2969829 (VCV002969829.3), dbSNP rs2490555727, ClinGen allele CA2740095144.
Genomic context (GRCh38, chr8:132,935,808, plus strand): 5'-ATCTCCAGAAACGAGATGCACTGGGGAACTCAAAGGCCACCAGCTTTGGAAGTCTTCGCT[GCC>G]AGGTGAAAGTGAGGAGCCATGGTCAAGATTCTCCAGCTGTGTATTTGAAAAAGGGTAGGT-3'